The following is an entry in ClinVar:

ClinVar aggregate classification (germline): Uncertain significance (1 of 4 stars; one submission).

Conditions:
Hereditary cancer-predisposing syndrome. Also called: Hereditary Cancer Syndrome; Hereditary neoplastic syndrome; Neoplastic Syndromes, Hereditary; Tumor predisposition. Identifiers: Orphanet 140162, MedGen C0027672, MeSH D009386, MONDO:0015356.

Submission:

Ambry Genetics
Classification: Uncertain significance for Hereditary cancer-predisposing syndrome. Last evaluated: 2026-06-22. Review status: criteria provided, single submitter. Criteria: Ambry Variant Classification Scheme 2023. Collection method: clinical testing. Allele origin: germline.
Comment: The p.L180H variant (also known as c.539T>A), located in coding exon 7 of the BAP1 gene, results from a T to A substitution at nucleotide position 539. The leucine at codon 180 is replaced by histidine, an amino acid with similar properties. This alteration was non-functional in a high throughput genome editing haploid cell survival assay (Waters, AJ et al. Nat Genet 2024 Jul;56(7):1434-1445). This amino acid position is highly conserved in available vertebrate species. In addition, this alteration is predicted to be deleterious by in silico analysis. Based on the available evidence, the clinical significance of this variant remains unclear.

Literature cited by the submitters: PubMed 38969833.

NM_004656.4(BAP1):c.539T>A (p.Leu180His)

Gene: BAP1 (BRCA1 associated deubiquitinase 1; minus strand). Cytogenetic location: 3p21.1.
Variant type: single nucleotide variant.
Coding change: c.539T>A on transcript NM_004656.4 (MANE Select); coding-DNA position 539, T replaced by A.
Protein change: p.Leu180His; replaces leucine 180 with histidine.
Molecular consequence: missense variant.
Genome position (GRCh38, 1-based): chr3:52,407,215, A>T on the plus strand (T>A on the coding strand, the complement: BAP1 is on the minus strand). VCF-style: chr3-52407215-A-T. GRCh37 (hg19) VCF-style: chr3-52441231-A-T.
Other names: c.539T>A, p.Leu180His (NM_001410772.1); short protein forms L180H.
Identifiers: ClinVar variation 1747278 (VCV001747278.3), dbSNP rs2153227799, ClinGen allele CA353109715.